The following is an entry in ClinVar:

ClinVar aggregate classification (germline): Pathogenic (1 of 4 stars; one submission).

Submission:

Labcorp Genetics (formerly Invitae), Labcorp
Classification: Pathogenic. Last evaluated: 2023-09-10. Review status: criteria provided, single submitter. Criteria: Invitae Variant Classification Sherloc (09022015). Collection method: clinical testing. Allele origin: germline.
Comment: This sequence change creates a premature translational stop signal (p.Gln1395*) in the MYO7A gene. It is expected to result in an absent or disrupted protein product. Loss-of-function variants in MYO7A are known to be pathogenic (PMID: 8900236, 25404053). This variant is not present in population databases (gnomAD no frequency). This variant has not been reported in the literature in individuals affected with MYO7A-related conditions. For these reasons, this variant has been classified as Pathogenic.

Literature cited by the submitters: PubMed 8900236; PubMed 25404053.

NM_000260.4(MYO7A):c.4183C>T (p.Gln1395Ter)

Gene: MYO7A (myosin VIIA; plus strand). Cytogenetic location: 11q13.5.
Variant type: single nucleotide variant.
Coding change: c.4183C>T on transcript NM_000260.4 (MANE Select); coding-DNA position 4183, C replaced by T.
Protein change: p.Gln1395Ter; replaces glutamine 1395 with a stop codon.
Molecular consequence: nonsense.
Genome position (GRCh38, 1-based): chr11:77,194,384, C>T. VCF-style: chr11-77194384-C-T. GRCh37 (hg19) VCF-style: chr11-76905429-C-T.
Other names: c.4183C>T, p.Gln1395Ter (NM_001127180.2); c.4150C>T, p.Gln1384Ter (NM_001369365.1); short protein forms Q1395*, Q1384*.
Identifiers: ClinVar variation 2760007 (VCV002760007.3), dbSNP rs2497489266, ClinGen allele CA381949131.